The following is an entry in ClinVar:

ClinVar aggregate classification (germline): Benign/Likely benign. Review status: criteria provided, multiple submitters, no conflicts (2 of 4 stars). 5 submissions from 5 submitters: Benign (1); Likely benign (4). Last evaluated 2026-02-02.

Conditions:
AR-related disorder. Also called: AR-related condition.
Kennedy disease (SMAX1). Also called: SPINAL AND BULBAR MUSCULAR ATROPHY, X-LINKED 1; KENNEDY SPINAL AND BULBAR MUSCULAR ATROPHY; Spinal and Bulbar Muscular Atrophy. Identifiers: Orphanet 481, MedGen C1839259, MONDO:0010735, OMIM 313200.
Androgen resistance syndrome (AIS). Also called: DHTR DEFICIENCY; ANDROGEN RECEPTOR DEFICIENCY; TESTICULAR FEMINIZATION SYNDROME; Androgen insensitivity syndrome due to coactivator deficiency; Androgen insensitivity; Androgen insensitivity syndrome. Identifiers: Orphanet 754, Orphanet 99429, MedGen C0039585, MONDO:0019154, OMIM 300068. Disease mechanism: loss of function.

Submissions (5):

Labcorp Genetics (formerly Invitae), Labcorp
Classification: Benign for Kennedy disease; Androgen resistance syndrome. Last evaluated: 2026-02-02. Review status: criteria provided, single submitter. Criteria: Invitae Variant Classification Sherloc (09022015). Collection method: clinical testing. Allele origin: germline.

PreventionGenetics, part of Exact Sciences
Classification: Likely benign for AR-related condition. Last evaluated: 2026-01-05. Review status: criteria provided, single submitter. Criteria: ACMG Guidelines, 2015. Collection method: clinical testing. Allele origin: germline.
Comment: This variant is classified as likely benign based on ACMG/AMP sequence variant interpretation guidelines (Richards et al. 2015 PMID: 25741868, with internal and published modifications).

Blueprint Genetics
Classification: Likely benign. Last evaluated: 2024-08-07. Review status: criteria provided, single submitter. Criteria: ACMG Guidelines, 2015. Collection method: clinical testing. Allele origin: germline.

CeGaT Center for Human Genetics Tuebingen
Classification: Likely benign. Last evaluated: 2024-06-01. Review status: criteria provided, single submitter. Criteria: CeGaT Center For Human Genetics Tuebingen Variant Classification Criteria Version 2. Collection method: clinical testing. Allele origin: germline. Affected: yes. Observed: 1 variant allele.
Comment: AR: BS2

GeneDx
Classification: Likely benign. Last evaluated: 2019-07-24. Review status: criteria provided, single submitter. Criteria: GeneDx Variant Classification Process June 2021. Collection method: clinical testing. Allele origin: germline. Affected: yes.
Comment: This variant is associated with the following publications: (PMID: 2062380)

NM_000044.6(AR):c.171GCA[33] (p.Gln71_Gln80dup)

Genes: AR (androgen receptor; plus strand), LOC109504725 (androgen receptor repeat instability region; plus strand). Cytogenetic location: Xq12.
Variant type: Microsatellite.
Coding change: c.171GCA[33] on transcript NM_000044.6 (MANE Select); 33 copies in a row of the 3-base unit GCA starting at c.171; the reference has 23 copies in a row; ten copies, 30 bases duplicated.
Protein change: p.Gln71_Gln80dup.
Molecular consequence: inframe insertion. On other transcripts: 5 prime UTR variant (1).
Genome position (GRCh38, 1-based): chrX:67,545,356-67,545,385, GCAGCAGCAGCAGCAGCAGCAGCAGCAGCA duplicated; duplicating any 30 consecutive bases within chrX:67,545,317-67,545,385 gives the same sequence; the position shown is the placement nearest the transcript's 3' end. VCF-style (leftmost placement, unchanged base first): chrX-67545316-T-TGCAGCAGCAGCAGCAGCAGCAGCAGCAGCA. GRCh37 (hg19) VCF-style: chrX-66765158-T-TGCAGCAGCAGCAGCAGCAGCAGCAGCAGCA.
Other names: c.-1613GCA[33] (NM_001011645.3); c.171GCA[33], p.Gln71_Gln80dup (NM_001348061.1, NM_001348063.1, NM_001348064.1); c.210_239dupGCAGCAGCAGCAGCAGCAGCAGCAGCAGCA (NM_000044.2); c.210_239dup30 (NM_000044.3).
Identifiers: ClinVar variation 420189 (VCV000420189.25), dbSNP rs3032358, ClinGen allele CA16621461.